The following is an entry in ClinVar:

NM_014780.5(CUL7):c.2862+1G>A

Gene: CUL7 (cullin 7; minus strand). Cytogenetic location: 6p21.1.
Variant type: single nucleotide variant.
Coding change: c.2862+1G>A on transcript NM_014780.5 (MANE Select); the canonical splice donor site of the intron after coding-DNA position 2862, G replaced by A.
Molecular consequence: splice donor variant.
Genome position (GRCh38, 1-based): chr6:43,045,586, C>T on the plus strand (G>A on the coding strand, the complement: CUL7 is on the minus strand). VCF-style: chr6-43045586-C-T. GRCh37 (hg19) VCF-style: chr6-43013324-C-T.
Other names: c.2958+1G>A (NM_001168370.2, NM_001374872.1); c.2862+1G>A (NM_001374874.1, NM_001374873.1).
Identifiers: ClinVar variation 1705561 (VCV001705561.1), dbSNP rs187817041, ClinGen allele CA364209898.

ClinVar aggregate classification (germline): Likely pathogenic (1 of 4 stars; one submission).

Conditions:
3M syndrome 1. Also called: 3-M Syndrome, CUL7-Related. Identifiers: Orphanet 2616, MedGen C2678312, MONDO:0010117, OMIM 273750.

Submission:

3billion
Classification: Likely pathogenic for 3M syndrome 1. Last evaluated: 2022-09-01. Review status: criteria provided, single submitter. Criteria: ACMG Guidelines, 2015. Collection method: clinical testing. Allele origin: germline. Affected: yes. Observed: 1 homozygote.
Comment: The variant is not observed in the gnomAD v2.1.1 dataset. Canonical splice site is predicted to alter splicing and result in a loss or disruption of normal protein function. Multiple pathogenic loss-of-function variants are reported downstream of the variant. Therefore, this variant is classified as Likely pathogenic according to the recommendation of ACMG/AMP guideline.